The following is an entry in ClinVar:

ClinVar aggregate classification (germline): Uncertain significance (1 of 4 stars; one submission).

Conditions:
Candidiasis, familial, 9 (CANDF9). Identifiers: Orphanet 1334, MedGen C4225324, MONDO:0014642, OMIM 616445.

gnomAD v4.1: 3 of 1,614,064 alleles (0.00019%); highest among the groups gnomAD compares: Non-Finnish European, 0.00025%; no homozygotes.

Submission:

Labcorp Genetics (formerly Invitae), Labcorp
Classification: Uncertain significance for Candidiasis, familial, 9. Last evaluated: 2024-10-22. Review status: criteria provided, single submitter. Criteria: Invitae Variant Classification Sherloc (09022015). Collection method: clinical testing. Allele origin: germline.
Comment: This sequence change replaces alanine, which is neutral and non-polar, with aspartic acid, which is acidic and polar, at codon 30 of the IL17RC protein (p.Ala30Asp). This variant is not present in population databases (gnomAD no frequency). This variant has not been reported in the literature in individuals affected with IL17RC-related conditions. An algorithm developed to predict the effect of missense changes on protein structure and function outputs the following: PolyPhen-2: "Possibly Damaging". The aspartic acid amino acid residue is found in multiple mammalian species, which suggests that this missense change does not adversely affect protein function. In summary, the available evidence is currently insufficient to determine the role of this variant in disease. Therefore, it has been classified as a Variant of Uncertain Significance.

NM_153460.4(IL17RC):c.89C>A (p.Ala30Asp)

Gene: IL17RC (interleukin 17 receptor C; plus strand). Cytogenetic location: 3p25.3.
Variant type: single nucleotide variant.
Coding change: c.89C>A on transcript NM_153460.4 (MANE Select); coding-DNA position 89, C replaced by A.
Protein change: p.Ala30Asp; replaces alanine 30 with aspartic acid.
Molecular consequence: missense variant. On other transcripts: non-coding transcript variant (1).
Genome position (GRCh38, 1-based): chr3:9,917,404, C>A. VCF-style: chr3-9917404-C-A. GRCh37 (hg19) VCF-style: chr3-9959088-C-A.
Other names: c.89C>A, p.Ala30Asp (NM_001203263.2, NM_001203264.2, NM_001203265.2 and 6 more transcripts); short protein forms A30D.
Identifiers: ClinVar variation 3712639 (VCV003712639.2).